The following is an entry in ClinVar:

ClinVar aggregate classification (germline): Uncertain significance (1 of 4 stars; one submission).

Conditions:
Ornithine carbamoyltransferase deficiency (OTCD). Also called: ORNITHINE TRANSCARBAMYLASE DEFICIENCY; ORNITHINE TRANSCARBAMYLASE DEFICIENCY, HYPERAMMONEMIA DUE TO; OTC DEFICIENCY; Ornithine Carbamoyltransferase Deficiency Disease. Identifiers: Orphanet 664, MedGen C0268542, MONDO:0010703, OMIM 311250.

Submission:

Labcorp Genetics (formerly Invitae), Labcorp
Classification: Uncertain significance for Ornithine carbamoyltransferase deficiency. Last evaluated: 2019-07-25. Review status: criteria provided, single submitter. Criteria: Invitae Variant Classification Sherloc (09022015). Collection method: clinical testing. Allele origin: germline.
Comment: This sequence change replaces leucine with arginine at codon 177 of the OTC protein (p.Leu177Arg). The leucine residue is highly conserved and there is a moderate physicochemical difference between leucine and arginine. This variant is not present in population databases (ExAC no frequency). This variant has not been reported in the literature in individuals with OTC-related conditions. Algorithms developed to predict the effect of missense changes on protein structure and function (SIFT, PolyPhen-2, Align-GVGD) all suggest that this variant is likely to be disruptive, but these predictions have not been confirmed by published functional studies and their clinical significance is uncertain. In summary, the available evidence is currently insufficient to determine the role of this variant in disease. Therefore, it has been classified as a Variant of Uncertain Significance.

NM_000531.6(OTC):c.530T>G (p.Leu177Arg)

Gene: OTC (ornithine transcarbamylase; plus strand). Cytogenetic location: Xp11.4.
Variant type: single nucleotide variant.
Coding change: c.530T>G on transcript NM_000531.6 (MANE Select); coding-DNA position 530, T replaced by G.
Protein change: p.Leu177Arg; replaces leucine 177 with arginine.
Molecular consequence: missense variant.
Genome position (GRCh38, 1-based): chrX:38,401,418, T>G. VCF-style: chrX-38401418-T-G. GRCh37 (hg19) VCF-style: chrX-38260671-T-G.
Other names: short protein forms L177R.
Identifiers: ClinVar variation 938175 (VCV000938175.1), dbSNP rs2068487036, ClinGen allele CA412724099.